The following is an entry in ClinVar:

ClinVar aggregate classification (germline): Uncertain significance. Review status: criteria provided, multiple submitters, no conflicts (2 of 4 stars). 3 submissions from 3 submitters: Uncertain significance (3). Last evaluated 2023-04-11.

Conditions:
Developmental and epileptic encephalopathy, 18 (DEE18). Also called: Early infantile epileptic encephalopathy 18. Identifiers: Orphanet 369894, MedGen C3809624, MONDO:0014201, OMIM 615476.

Allele frequency attached by ClinVar (database versions not stated): gnomAD exomes below 0.00001 and 0.00001; TOPMed below 0.00001; gnomAD 0.00001; ExAC 0.00002.

Submissions (3):

Genome-Nilou Lab
Classification: Uncertain significance for Developmental and epileptic encephalopathy, 18. Last evaluated: 2023-04-11. Review status: criteria provided, single submitter. Criteria: ACMG Guidelines, 2015. Collection method: clinical testing. Allele origin: germline. Affected: no.

Fulgent Genetics
Classification: Uncertain significance for Developmental and epileptic encephalopathy, 18. Last evaluated: 2022-05-27. Review status: criteria provided, single submitter. Criteria: ACMG Guidelines, 2015. Collection method: clinical testing. Allele origin: unknown.

Labcorp Genetics (formerly Invitae), Labcorp
Classification: Uncertain significance. Last evaluated: 2021-08-24. Review status: criteria provided, single submitter. Criteria: Invitae Variant Classification Sherloc (09022015). Collection method: clinical testing. Allele origin: germline.
Comment: This sequence change replaces proline with leucine at codon 3187 of the SZT2 protein (p.Pro3187Leu). The proline residue is highly conserved and there is a moderate physicochemical difference between proline and leucine. This variant is present in population databases (rs774448705, ExAC 0.04%). This variant has not been reported in the literature in individuals affected with SZT2-related conditions. Algorithms developed to predict the effect of missense changes on protein structure and function output the following: SIFT: "Deleterious"; PolyPhen-2: "Benign"; Align-GVGD: "Class C35". The leucine amino acid residue is found in multiple mammalian species, which suggests that this missense change does not adversely affect protein function. In summary, the available evidence is currently insufficient to determine the role of this variant in disease. Therefore, it has been classified as a Variant of Uncertain Significance.

NM_001365999.1(SZT2):c.9731C>T (p.Pro3244Leu)

Genes: SZT2 (SZT2 subunit of KICSTOR complex; plus strand), SZT2-AS1 (SZT2 antisense RNA 1; minus strand). Cytogenetic location: 1p34.2.
Variant type: single nucleotide variant.
Coding change: c.9731C>T on transcript NM_001365999.1 (MANE Select); coding-DNA position 9731, C replaced by T.
Protein change: p.Pro3244Leu; replaces proline 3244 with leucine.
Molecular consequence: missense variant. On other transcripts: non-coding transcript variant (1).
Genome position (GRCh38, 1-based): chr1:43,448,246, C>T. VCF-style: chr1-43448246-C-T. GRCh37 (hg19) VCF-style: chr1-43913917-C-T.
Other names: c.9560C>T, p.Pro3187Leu (NM_015284.4); short protein forms P3187L, P3244L.
Identifiers: ClinVar variation 1002758 (VCV001002758.8), dbSNP rs774448705, ClinGen allele CA810999.